The following is an entry in ClinVar:

NM_004006.3(DMD):c.7309+2dup

Gene: DMD (dystrophin; minus strand). Cytogenetic location: Xp21.1.
Variant type: Duplication.
Coding change: c.7309+2dup on transcript NM_004006.3 (MANE Select); the canonical splice donor site of the intron after coding-DNA position 7309, one base duplicated (T; older notation c.7309+2dupT).
Molecular consequence: splice donor variant.
Genome position (GRCh38, 1-based): chrX:31,819,973, A duplicated on the plus strand (T on the coding strand, the reverse complement: DMD is on the minus strand). VCF-style (leftmost placement, unchanged base first): chrX-31819972-T-TA. GRCh37 (hg19) VCF-style: chrX-31838089-T-TA.
Other names: c.7285+2dup (NM_000109.4); c.3286+2dup (NM_004011.4); c.3277+2dup (NM_004012.4); c.-72+2dup (NM_004023.3, NM_004020.4, NM_004022.3 and 2 more transcripts); c.7297+2dup (NM_004009.3); c.6940+2dup (NM_004010.3).
Identifiers: ClinVar variation 2099202 (VCV002099202.4), dbSNP rs2531580394, ClinGen allele CA2580100754.

ClinVar aggregate classification (germline): Uncertain significance (1 of 4 stars; one submission).

Conditions:
Duchenne muscular dystrophy (DMD). Also called: MUSCULAR DYSTROPHY, PSEUDOHYPERTROPHIC PROGRESSIVE, DUCHENNE TYPE; Duchenne Muscular Dystrophy (DMD). Identifiers: Orphanet 98896, MedGen C0013264, MONDO:0010679, OMIM 310200.

Submission:

Labcorp Genetics (formerly Invitae), Labcorp
Classification: Uncertain significance for Duchenne muscular dystrophy. Last evaluated: 2022-06-24. Review status: criteria provided, single submitter. Criteria: Invitae Variant Classification Sherloc (09022015). Collection method: clinical testing. Allele origin: germline.
Comment: This sequence change falls in intron 50 of the DMD gene. It does not directly change the encoded amino acid sequence of the DMD protein. It affects a nucleotide within the consensus splice site. This variant is not present in population databases (gnomAD no frequency). This variant has been observed in individuals with clinical features of Duchenne muscular dystrophy (PMID: 33420945; Invitae). Variants that disrupt the consensus splice site are a relatively common cause of aberrant splicing (PMID: 17576681, 9536098). Algorithms developed to predict the effect of sequence changes on RNA splicing suggest that this variant may disrupt the consensus splice site. In summary, the available evidence is currently insufficient to determine the role of this variant in disease. Therefore, it has been classified as a Variant of Uncertain Significance.

Literature cited by the submitters: PubMed 33420945; PubMed 17576681; PubMed 9536098.